The following is an entry in ClinVar:

NM_138801.3(GALM):c.985del (p.Glu329fs)

Gene: GALM (galactose mutarotase; plus strand). Cytogenetic location: 2p22.1.
Variant type: Deletion.
Coding change: c.985del on transcript NM_138801.3 (MANE Select); coding-DNA position 985, one base deleted (G; older notation c.985delG).
Protein change: p.Glu329fs; shifts the reading frame from glutamic acid 329.
Molecular consequence: frameshift variant.
Genome position (GRCh38, 1-based): chr2:38,733,521, G deleted. VCF-style (leftmost placement, unchanged base first): chr2-38733520-TG-T. GRCh37 (hg19) VCF-style: chr2-38960662-TG-T.
Other names: short protein forms E329fs.
Identifiers: ClinVar variation 1365815 (VCV001365815.4), dbSNP rs768194641, ClinGen allele CA1621723.
Genomic context (GRCh38, chr2:38,733,520, plus strand): 5'-CATCACCTGTGTTGTTTCCCCTTCACAGCCCCGCTTCCCTCCTGTGCTGCTGAGGCCTGG[TG>T]AGGAGTATGACCACACCACCTGGTTCAAGTTTTCTGTGGCTTAAGGAAGTGTGAAGATAT-3'

ClinVar aggregate classification (germline): Uncertain significance (1 of 4 stars; one submission).

Allele frequency attached by ClinVar (database versions not stated): gnomAD exomes 0.00004 and 0.00017; ExAC 0.00008; gnomAD 0.00022 and 0.00023; TOPMed 0.00050.

Submission:

Labcorp Genetics (formerly Invitae), Labcorp
Classification: Uncertain significance. Last evaluated: 2024-11-05. Review status: criteria provided, single submitter. Criteria: Invitae Variant Classification Sherloc (09022015). Collection method: clinical testing. Allele origin: germline.
Comment: This sequence change results in a frameshift in the GALM gene (p.Glu329Argfs*18). While this is not anticipated to result in nonsense mediated decay, it is expected to disrupt the last 14 amino acid(s) of the GALM protein and extend the protein by 3 additional amino acid residues. This variant is present in population databases (rs768194641, gnomAD 0.1%). This variant has not been reported in the literature in individuals affected with GALM-related conditions. ClinVar contains an entry for this variant (Variation ID: 1365815). Studies have shown that this frameshift alters GALM gene expression (PMID: 30910422). Algorithms developed to predict the effect of sequence changes on RNA splicing suggest that this variant may disrupt the consensus splice site. In summary, the available evidence is currently insufficient to determine the role of this variant in disease. Therefore, it has been classified as a Variant of Uncertain Significance.

Literature cited by the submitters: PubMed 30910422.